The following is an entry in ClinVar:

ClinVar aggregate classification (germline): Uncertain significance (1 of 4 stars; one submission).

gnomAD v4.1: 1 of 1,614,220 alleles (0.000062%); highest among the groups gnomAD compares: Non-Finnish European, 0.000085%; no homozygotes.

Submission:

Labcorp Genetics (formerly Invitae), Labcorp
Classification: Uncertain significance. Last evaluated: 2024-04-16. Review status: criteria provided, single submitter. Criteria: Invitae Variant Classification Sherloc (09022015). Collection method: clinical testing. Allele origin: germline.
Comment: This sequence change replaces arginine, which is basic and polar, with glycine, which is neutral and non-polar, at codon 2002 of the SRCAP protein (p.Arg2002Gly). This variant is present in population databases (no rsID available, gnomAD 0.0009%). This variant has not been reported in the literature in individuals affected with SRCAP-related conditions. Advanced modeling of protein sequence and biophysical properties (such as structural, functional, and spatial information, amino acid conservation, physicochemical variation, residue mobility, and thermodynamic stability) performed at Invitae indicates that this missense variant is not expected to disrupt SRCAP protein function with a negative predictive value of 80%. In summary, the available evidence is currently insufficient to determine the role of this variant in disease. Therefore, it has been classified as a Variant of Uncertain Significance.

NM_006662.3(SRCAP):c.6004C>G (p.Arg2002Gly)

Gene: SRCAP (Snf2 related CREBBP activator protein; plus strand). Cytogenetic location: 16p11.2.
Variant type: single nucleotide variant.
Coding change: c.6004C>G on transcript NM_006662.3 (MANE Select); coding-DNA position 6004, C replaced by G.
Protein change: p.Arg2002Gly; replaces arginine 2002 with glycine.
Molecular consequence: missense variant.
Genome position (GRCh38, 1-based): chr16:30,729,449, C>G. VCF-style: chr16-30729449-C-G. GRCh37 (hg19) VCF-style: chr16-30740770-C-G.
Other names: short protein forms R2002G.
Identifiers: ClinVar variation 3630457 (VCV003630457.2).